The following is an entry in ClinVar:

NM_001377265.1(MAPT):c.1378G>A (p.Gly460Arg)

Gene: MAPT (microtubule associated protein tau). Cytogenetic location: 17q21.31.
Variant type: single nucleotide variant.
Coding change: c.1378G>A on transcript NM_001377265.1 (MANE Select); coding-DNA position 1378, G replaced by A.
Protein change: p.Gly460Arg; replaces glycine 460 with arginine.
Molecular consequence: missense variant. On other transcripts: non-coding transcript variant (1).
Genome position (GRCh38, 1-based): chr17:45,987,066, G>A. VCF-style: chr17-45987066-G-A. GRCh37 (hg19) VCF-style: chr17-44064432-G-A.
Other names: c.1153G>A, p.Gly385Arg (NM_001123066.4, NM_016835.5); c.313G>A, p.Gly105Arg (NM_001123067.4, NM_001203251.2, NM_001377267.1); c.400G>A, p.Gly134Arg (NM_001203252.2, NM_005910.6); c.1378G>A, p.Gly460Arg (NM_001377266.1); c.226G>A, p.Gly76Arg (NM_001377268.1, NM_016834.5, NM_016841.5); short protein forms G105R, G385R, G460R, G76R, G134R.
Identifiers: ClinVar variation 2896143 (VCV002896143.3), dbSNP rs569445345, ClinGen allele CA8617868.

ClinVar aggregate classification (germline): Uncertain significance (1 of 4 stars; one submission).

Conditions:
Frontotemporal dementia (FTD1). Also called: Frontotemporal lobe dementia (FLDEM); FRONTOTEMPORAL DEMENTIA WITH PARKINSONISM; FRONTOTEMPORAL LOBE DEMENTIA; Dementia, frontotemporal, with or without parkinsonism; Frontotemporal Dementia with Parkinsonism-17 (FTDP-17); MULTIPLE SYSTEM TAUOPATHY WITH PRESENILE DEMENTIA. Identifiers: Orphanet 282, MedGen C0338451, MONDO:0017276, OMIM 600274, HP:0002145.

Allele frequency attached by ClinVar (database versions not stated): ExAC 0.00003; gnomAD 0.00003; 1000 Genomes Project 30x 0.00016; 1000 Genomes Project 0.00020.
gnomAD v4.1: 32 of 1,613,950 alleles (0.002%); highest among the groups gnomAD compares: Non-Finnish European, 0.0025%; no homozygotes.

Submission:

Labcorp Genetics (formerly Invitae), Labcorp
Classification: Uncertain significance for Frontotemporal dementia. Last evaluated: 2022-12-13. Review status: criteria provided, single submitter. Criteria: Invitae Variant Classification Sherloc (09022015). Collection method: clinical testing. Allele origin: germline.
Comment: Advanced modeling of protein sequence and biophysical properties (such as structural, functional, and spatial information, amino acid conservation, physicochemical variation, residue mobility, and thermodynamic stability) performed at Invitae indicates that this missense variant is not expected to disrupt MAPT protein function. In summary, the available evidence is currently insufficient to determine the role of this variant in disease. Therefore, it has been classified as a Variant of Uncertain Significance. This variant has not been reported in the literature in individuals affected with MAPT-related conditions. This variant is present in population databases (rs569445345, gnomAD 0.004%). This sequence change replaces glycine, which is neutral and non-polar, with arginine, which is basic and polar, at codon 134 of the MAPT protein (p.Gly134Arg).